The following is an entry in ClinVar:

NM_001303457.2(TTI1):c.1632A>G (p.Lys544=)

Gene: TTI1 (TELO2 interacting protein 1; minus strand). Cytogenetic location: 20q11.23.
Variant type: single nucleotide variant.
Coding change: c.1632A>G on transcript NM_001303457.2 (MANE Select); coding-DNA position 1632, A replaced by G.
Protein change: p.Lys544=; no amino-acid change (lysine 544 retained).
Molecular consequence: synonymous variant.
Genome position (GRCh38, 1-based): chr20:38,012,185, T>C on the plus strand (A>G on the coding strand, the complement: TTI1 is on the minus strand). VCF-style: chr20-38012185-T-C. GRCh37 (hg19) VCF-style: chr20-36640587-T-C.
Other names: c.1632A>G, p.Lys544= (NM_014657.3).
Identifiers: ClinVar variation 4821416 (VCV004821416.4).
Genomic context (GRCh38, chr20:38,012,185, plus strand): 5'-GTATTCTTCAAGTATAGATGTCACAATCTCTCTCAGTTCTTCTGGGTTTGTTTTAATATG[T>C]TTTTCGTGAAGATCCTCAACCTCCAGCCCAGCAGCCCCTGTAACCAGTTCATTAAGGATC-3'
Protein context (NP_001290386.1, residues 534-554): AGLEVEDLHE[Lys544=]HIKTNPEELR

ClinVar aggregate classification (germline): Likely benign (1 of 4 stars; one submission).

gnomAD v4.1: 6 of 1,614,188 alleles (0.00037%); highest among the groups gnomAD compares: Non-Finnish European, 0.00034%; no homozygotes.

Submission:

CeGaT Center for Human Genetics Tuebingen
Classification: Likely benign. Last evaluated: 2026-01-01. Review status: criteria provided, single submitter. Criteria: CeGaT Center For Human Genetics Tuebingen Variant Classification Criteria Version 2. Collection method: clinical testing. Allele origin: germline. Affected: yes. Observed: 1 variant allele.
Comment: TTI1: BP4, BP7